The following is an entry in ClinVar:

NM_182914.3(SYNE2):c.5646G>T (p.Leu1882Phe)

Gene: SYNE2 (spectrin repeat containing nuclear envelope protein 2; plus strand). Cytogenetic location: 14q23.2.
Variant type: single nucleotide variant.
Coding change: c.5646G>T on transcript NM_182914.3 (MANE Select); coding-DNA position 5646, G replaced by T.
Protein change: p.Leu1882Phe; replaces leucine 1882 with phenylalanine.
Molecular consequence: missense variant.
Genome position (GRCh38, 1-based): chr14:64,024,265, G>T. VCF-style: chr14-64024265-G-T. GRCh37 (hg19) VCF-style: chr14-64490983-G-T.
Other names: c.5646G>T, p.Leu1882Phe (NM_015180.6); short protein forms L1882F.
Identifiers: ClinVar variation 652054 (VCV000652054.8), dbSNP rs747913558, ClinGen allele CA7220528.

ClinVar aggregate classification (germline): Uncertain significance (1 of 4 stars; one submission).

Conditions:
Emery-Dreifuss muscular dystrophy 5, autosomal dominant (EDMD5). Also called: EMERY-DREIFUSS MUSCULAR DYSTROPHY 5. Identifiers: Orphanet 261, MedGen C2751805, MONDO:0013072, OMIM 612999.

Allele frequency attached by ClinVar (database versions not stated): ExAC 0.00001.

Submission:

Labcorp Genetics (formerly Invitae), Labcorp
Classification: Uncertain significance for Emery-Dreifuss muscular dystrophy 5, autosomal dominant. Last evaluated: 2022-03-09. Review status: criteria provided, single submitter. Criteria: Invitae Variant Classification Sherloc (09022015). Collection method: clinical testing. Allele origin: germline.
Comment: This sequence change replaces leucine, which is neutral and non-polar, with phenylalanine, which is neutral and non-polar, at codon 1882 of the SYNE2 protein (p.Leu1882Phe). This variant is not present in population databases (gnomAD no frequency). This variant has not been reported in the literature in individuals affected with SYNE2-related conditions. ClinVar contains an entry for this variant (Variation ID: 652054). Algorithms developed to predict the effect of missense changes on protein structure and function are either unavailable or do not agree on the potential impact of this missense change (SIFT: "Tolerated"; PolyPhen-2: "Probably Damaging"; Align-GVGD: "Class C0"). Algorithms developed to predict the effect of sequence changes on RNA splicing suggest that this variant may create or strengthen a splice site. In summary, the available evidence is currently insufficient to determine the role of this variant in disease. Therefore, it has been classified as a Variant of Uncertain Significance.